The following is an entry in ClinVar:

NM_001035.3(RYR2):c.983C>T (p.Ala328Val)

Gene: RYR2 (ryanodine receptor 2; plus strand). Cytogenetic location: 1q43.
Variant type: single nucleotide variant.
Coding change: c.983C>T on transcript NM_001035.3 (MANE Select); coding-DNA position 983, C replaced by T.
Protein change: p.Ala328Val; replaces alanine 328 with valine.
Molecular consequence: missense variant.
Genome position (GRCh38, 1-based): chr1:237,423,226, C>T. VCF-style: chr1-237423226-C-T. GRCh37 (hg19) VCF-style: chr1-237586526-C-T.
Other names: short protein forms A328V.
Identifiers: ClinVar variation 4757557 (VCV004757557.1).

ClinVar aggregate classification (germline): Uncertain significance (1 of 4 stars; one submission).

Conditions:
Cardiomyopathy (CMYO). Also called: Cardiomyopathies. Identifiers: Orphanet 167848, MedGen C0878544, MONDO:0004994, HP:0001638. Inheritance: Various modes of inheritance.

gnomAD v4.1: 2 of 1,613,446 alleles (0.00012%); highest among the groups gnomAD compares: Non-Finnish European, 0.00017%; no homozygotes.

Submission:

Color Diagnostics, LLC DBA Color Health
Classification: Uncertain significance for Cardiomyopathy. Last evaluated: 2025-07-07. Review status: criteria provided, single submitter. Criteria: ACMG Guidelines, 2015. Collection method: clinical testing. Allele origin: germline.
Comment: This missense variant replaces alanine with valine at codon 328 of the RYR2 protein. Computational prediction is inconclusive regarding the impact of this variant on protein structure and function. To our knowledge, functional studies have not been reported for this variant. This variant has not been reported in individuals affected with RYR2-related disorders in the literature. This variant has not been identified in the general population by the Genome Aggregation Database (gnomAD). The available evidence is insufficient to determine the role of this variant in disease conclusively. Therefore, this variant is classified as a Variant of Uncertain Significance.